The following is an entry in ClinVar:

ClinVar aggregate classification (germline): Uncertain significance (1 of 4 stars; one submission).

Submission:

GeneDx
Classification: Uncertain significance. Last evaluated: 2024-04-18. Review status: criteria provided, single submitter. Criteria: GeneDx Variant Classification Process June 2021. Collection method: clinical testing. Allele origin: germline. Affected: yes.
Comment: Not observed at significant frequency in large population cohorts (gnomAD); In silico analysis indicates that this missense variant does not alter protein structure/function; Has not been previously published as pathogenic or benign to our knowledge

NM_182641.4(BPTF):c.3358A>G (p.Met1120Val)

Gene: BPTF (bromodomain PHD finger transcription factor; plus strand). Cytogenetic location: 17q24.2.
Variant type: single nucleotide variant.
Coding change: c.3358A>G on transcript NM_182641.4 (MANE Select); coding-DNA position 3358, A replaced by G.
Protein change: p.Met1120Val; replaces methionine 1120 with valine.
Molecular consequence: missense variant.
Genome position (GRCh38, 1-based): chr17:67,911,242, A>G. VCF-style: chr17-67911242-A-G. GRCh37 (hg19) VCF-style: chr17-65907358-A-G.
Other names: c.3736A>G, p.Met1246Val (NM_004459.7); short protein forms M1120V, M1246V.
Identifiers: ClinVar variation 3372754 (VCV003372754.1).